The following is an entry in ClinVar:

NM_000038.6(APC):c.4125C>T (p.His1375=)

Gene: APC (APC regulator of Wnt signaling pathway; plus strand). Cytogenetic location: 5q22.2.
Variant type: single nucleotide variant.
Coding change: c.4125C>T on transcript NM_000038.6 (MANE Select); coding-DNA position 4125, C replaced by T.
Protein change: p.His1375=; no amino-acid change (histidine 1375 retained).
Molecular consequence: synonymous variant.
Genome position (GRCh38, 1-based): chr5:112,839,719, C>T. VCF-style: chr5-112839719-C-T. GRCh37 (hg19) VCF-style: chr5-112175416-C-T.
Other names: c.4125C>T, p.His1375= (NM_001127510.3, NM_001354895.2); c.4071C>T, p.His1357= (NM_001127511.3); c.4179C>T, p.His1393= (NM_001354896.2); c.4155C>T, p.His1385= (NM_001354897.2); c.4050C>T, p.His1350= (NM_001354898.2); c.4041C>T, p.His1347= (NM_001354899.2); c.4002C>T, p.His1334= (NM_001354900.2); c.3948C>T, p.His1316= (NM_001354901.2); and 5 more.
Identifiers: ClinVar variation 416734 (VCV000416734.19), dbSNP rs1060504880, ClinGen allele CA16611626.

ClinVar aggregate classification (germline): Benign/Likely benign. Review status: criteria provided, multiple submitters, no conflicts (2 of 4 stars). 5 submissions from 5 submitters: Benign (1); Likely benign (4). Last evaluated 2025-12-17.

Conditions:
Familial adenomatous polyposis 1 (FAP1). Also called: FAMILIAL ADENOMATOUS POLYPOSIS 1, ATTENUATED; POLYPOSIS, ADENOMATOUS INTESTINAL. Identifiers: MedGen C2713442, MONDO:0021056, OMIM 175100. Disease mechanism: loss of function.
Hereditary cancer-predisposing syndrome. Also called: Tumor predisposition; Neoplastic Syndromes, Hereditary; Hereditary neoplastic syndrome; Hereditary Cancer Syndrome. Identifiers: Orphanet 140162, MedGen C0027672, MeSH D009386, MONDO:0015356.

Allele frequency attached by ClinVar (database versions not stated): gnomAD exomes below 0.00001.
gnomAD v4.1: 7 of 1,614,074 alleles (0.00043%); highest among the groups gnomAD compares: Non-Finnish European, 0.00059%; no homozygotes.

Submissions (5):

Labcorp Genetics (formerly Invitae), Labcorp
Classification: Likely benign for Familial adenomatous polyposis 1. Last evaluated: 2025-12-17. Review status: criteria provided, single submitter. Criteria: Invitae Variant Classification Sherloc (09022015). Collection method: clinical testing. Allele origin: germline.

Myriad Genetics, Inc.
Classification: Benign for Familial adenomatous polyposis 1. Last evaluated: 2024-03-25. Review status: criteria provided, single submitter. Criteria: Myriad Autosomal Dominant, Autosomal Recessive and X-Linked Classification Criteria (2023). Collection method: clinical testing. Allele origin: unknown.
Comment: This variant is considered benign. This variant is a silent/synonymous amino acid change and it is not expected to impact splicing.

Color Diagnostics, LLC DBA Color Health
Classification: Likely benign for Hereditary cancer-predisposing syndrome. Last evaluated: 2022-03-21. Review status: criteria provided, single submitter. Criteria: ACMG Guidelines, 2015. Collection method: clinical testing. Allele origin: germline.

Ambry Genetics
Classification: Likely benign for Hereditary cancer-predisposing syndrome. Last evaluated: 2017-10-26. Review status: criteria provided, single submitter. Criteria: Ambry Variant Classification Scheme 2023. Collection method: clinical testing. Allele origin: germline.

GeneDx
Classification: Likely benign. Last evaluated: 2017-04-24. Review status: criteria provided, single submitter. Criteria: GeneDx Variant Classification (06012015). Collection method: clinical testing. Allele origin: germline. Affected: yes.
Comment: This variant is considered likely benign or benign based on one or more of the following criteria: it is a conservative change, it occurs at a poorly conserved position in the protein, it is predicted to be benign by multiple in silico algorithms, and/or has population frequency not consistent with disease.